The following is an entry in ClinVar:

ClinVar aggregate classification (germline): Uncertain significance (1 of 4 stars; one submission).

Allele frequency attached by ClinVar (database versions not stated): ExAC 0.00001; gnomAD 0.00001; gnomAD exomes 0.00002.
gnomAD v4.1: 24 of 1,613,540 alleles (0.0015%); highest among the groups gnomAD compares: Non-Finnish European, 0.0019%; no homozygotes.

Submission:

Labcorp Genetics (formerly Invitae), Labcorp
Classification: Uncertain significance. Last evaluated: 2025-07-08. Review status: criteria provided, single submitter. Criteria: Invitae Variant Classification Sherloc (09022015). Collection method: clinical testing. Allele origin: germline.
Comment: This sequence change creates a premature translational stop signal (p.Gln1070*) in the MICAL1 gene. While this is not anticipated to result in nonsense mediated decay, it is expected to disrupt the last 17 amino acid(s) of the MICAL1 protein. This variant is present in population databases (rs757758020, gnomAD 0.002%). This variant has not been reported in the literature in individuals affected with MICAL1-related conditions. ClinVar contains an entry for this variant (Variation ID: 1503366). Experimental studies and prediction algorithms are not available or were not evaluated, and the functional significance of this variant is currently unknown. In summary, the available evidence is currently insufficient to determine the role of this variant in disease. Therefore, it has been classified as a Variant of Uncertain Significance.

NM_022765.4(MICAL1):c.3151C>T (p.Gln1051Ter)

Gene: MICAL1 (microtubule associated monooxygenase, calponin and LIM domain containing 1; minus strand). Cytogenetic location: 6q21.
Variant type: single nucleotide variant.
Coding change: c.3151C>T on transcript NM_022765.4 (MANE Select); coding-DNA position 3151, C replaced by T.
Protein change: p.Gln1051Ter; replaces glutamine 1051 with a stop codon.
Molecular consequence: nonsense.
Genome position (GRCh38, 1-based): chr6:109,444,244, G>A on the plus strand (C>T on the coding strand, the complement: MICAL1 is on the minus strand). VCF-style: chr6-109444244-G-A. GRCh37 (hg19) VCF-style: chr6-109765447-G-A.
Other names: c.2893C>T, p.Gln965Ter (NM_001159291.2); c.3208C>T, p.Gln1070Ter (NM_001286613.2); short protein forms Q1051*, Q1070*, Q965*.
Identifiers: ClinVar variation 1503366 (VCV001503366.5), dbSNP rs757758020, ClinGen allele CA3952634.